The following is an entry in ClinVar:

ClinVar aggregate classification (germline): Uncertain significance. Review status: criteria provided, multiple submitters, no conflicts (2 of 4 stars). 2 submissions from 2 submitters: Uncertain significance (2). Last evaluated 2026-03-12.

Conditions:
Naxos disease (NXD). Also called: CARDIOMYOPATHY, ARRHYTHMOGENIC RIGHT VENTRICULAR, WITH SKIN, HAIR, AND NAIL ABNORMALITIES; KERATOSIS PALMOPLANTARIS WITH ARRHYTHMOGENIC CARDIOMYOPATHY; MAL DE NAXOS; PALMOPLANTAR KERATODERMA WITH ARRHYTHMOGENIC RIGHT VENTRICULAR CARDIOMYOPATHY AND WOOLLY HAIR; WOOLLY HAIR, PALMOPLANTAR KERATODERMA, AND CARDIAC ABNORMALITIES. Identifiers: Orphanet 34217, MedGen C1832600, MONDO:0011017, OMIM 601214.
Arrhythmogenic right ventricular dysplasia 12. Also called: ARRHYTHMOGENIC RIGHT VENTRICULAR DYSPLASIA, FAMILIAL, 12. Identifiers: MedGen C1969081, MONDO:0012684, OMIM 611528.
Cardiovascular phenotype. Identifiers: MedGen CN230736.

Allele frequency attached by ClinVar (database versions not stated): ESP Exome Variant Server 0.00008; gnomAD exomes below 0.00001 and 0.00001; gnomAD 0.00001.
gnomAD v4.1: 14 of 1,607,474 alleles (0.00087%); highest among the groups gnomAD compares: Non-Finnish European, 0.0011%; no homozygotes.

Submissions (2):

Ambry Genetics
Classification: Uncertain significance for Cardiovascular phenotype. Last evaluated: 2026-03-12. Review status: criteria provided, single submitter. Criteria: Ambry Variant Classification Scheme 2023. Collection method: clinical testing. Allele origin: germline.
Comment: The p.Q105H variant (also known as c.315G>C), located in coding exon 2 of the JUP gene, results from a G to C substitution at nucleotide position 315. The glutamine at codon 105 is replaced by histidine, an amino acid with highly similar properties. This amino acid position is conserved. In addition, the in silico prediction for this alteration is inconclusive. Based on the available evidence, the clinical significance of this variant remains unclear.

Labcorp Genetics (formerly Invitae), Labcorp
Classification: Uncertain significance for Arrhythmogenic right ventricular dysplasia 12; Naxos disease. Last evaluated: 2025-10-29. Review status: criteria provided, single submitter. Criteria: Invitae Variant Classification Sherloc (09022015). Collection method: clinical testing. Allele origin: germline.
Comment: This sequence change replaces glutamine, which is neutral and polar, with histidine, which is basic and polar, at codon 105 of the JUP protein (p.Gln105His). This variant is present in population databases (rs375489362, gnomAD 0.0008%). This variant has not been reported in the literature in individuals affected with JUP-related conditions. ClinVar contains an entry for this variant (Variation ID: 1516398). An algorithm developed to predict the effect of missense changes on protein structure and function (PolyPhen-2) suggests that this variant is likely to be tolerated. In summary, the available evidence is currently insufficient to determine the role of this variant in disease. Therefore, it has been classified as a Variant of Uncertain Significance.

NM_002230.4(JUP):c.315G>C (p.Gln105His)

Gene: JUP (junction plakoglobin; minus strand). Cytogenetic location: 17q21.2.
Variant type: single nucleotide variant.
Coding change: c.315G>C on transcript NM_002230.4 (MANE Select); coding-DNA position 315, G replaced by C.
Protein change: p.Gln105His; replaces glutamine 105 with histidine.
Molecular consequence: missense variant.
Genome position (GRCh38, 1-based): chr17:41,769,571, C>G on the plus strand (G>C on the coding strand, the complement: JUP is on the minus strand). VCF-style: chr17-41769571-C-G. GRCh37 (hg19) VCF-style: chr17-39925823-C-G.
Other names: c.315G>C, p.Gln105His (NM_001352773.2, NM_001352774.2, NM_001352775.2 and 3 more transcripts); c.315G>C (NM_002230.2); short protein forms Q105H.
Identifiers: ClinVar variation 1516398 (VCV001516398.9), dbSNP rs375489362, ClinGen allele CA290700901.